The following is an entry in ClinVar:

NM_144585.4(SLC22A12):c.1075G>A (p.Ala359Thr)

Gene: SLC22A12 (solute carrier family 22 member 12; plus strand). Cytogenetic location: 11q13.1.
Variant type: single nucleotide variant.
Coding change: c.1075G>A on transcript NM_144585.4 (MANE Select); coding-DNA position 1075, G replaced by A.
Protein change: p.Ala359Thr; replaces alanine 359 with threonine.
Molecular consequence: missense variant.
Genome position (GRCh38, 1-based): chr11:64,599,680, G>A. VCF-style: chr11-64599680-G-A. GRCh37 (hg19) VCF-style: chr11-64367152-G-A.
Other names: c.973G>A, p.Ala325Thr (NM_001276326.2); c.751G>A, p.Ala251Thr (NM_001276327.2); c.412G>A, p.Ala138Thr (NM_153378.3); c.1075G>A (NM_144585.2); short protein forms A359T, A251T, A138T, A325T.
Identifiers: ClinVar variation 877263 (VCV000877263.9), dbSNP rs201322494, ClinGen allele CA6077317.

ClinVar aggregate classification (germline): Uncertain significance. Review status: criteria provided, multiple submitters, no conflicts (2 of 4 stars). 4 submissions from 4 submitters: Uncertain significance (4). Last evaluated 2025-10-23.

Conditions:
Inborn genetic diseases. Identifiers: MedGen C0950123, MeSH D030342.
Dalmatian hypouricemia (RHUC1). Identifiers: MedGen C0473219, MONDO:0020728, OMIM 220150.

Allele frequency attached by ClinVar (database versions not stated): gnomAD 0.00012; ExAC 0.00019.
gnomAD v4.1: 439 of 1,580,784 alleles (0.028%); highest among the groups gnomAD compares: Non-Finnish European, 0.035%; no homozygotes.

Submissions (4):

Ambry Genetics
Classification: Uncertain significance for Inborn genetic diseases. Last evaluated: 2025-10-23. Review status: criteria provided, single submitter. Criteria: Ambry Variant Classification Scheme 2023. Collection method: clinical testing. Allele origin: germline.

Fulgent Genetics
Classification: Uncertain significance for Dalmatian hypouricemia. Last evaluated: 2024-06-03. Review status: criteria provided, single submitter. Criteria: ACMG Guidelines, 2015. Collection method: clinical testing. Allele origin: germline.

Labcorp Genetics (formerly Invitae), Labcorp
Classification: Uncertain significance. Last evaluated: 2022-07-08. Review status: criteria provided, single submitter. Criteria: Invitae Variant Classification Sherloc (09022015). Collection method: clinical testing. Allele origin: germline.
Comment: This sequence change replaces alanine, which is neutral and non-polar, with threonine, which is neutral and polar, at codon 359 of the SLC22A12 protein (p.Ala359Thr). This variant is present in population databases (rs201322494, gnomAD 0.04%). This variant has not been reported in the literature in individuals affected with SLC22A12-related conditions. ClinVar contains an entry for this variant (Variation ID: 877263). Algorithms developed to predict the effect of missense changes on protein structure and function output the following: SIFT: "Tolerated"; PolyPhen-2: "Benign"; Align-GVGD: "Class C0". The threonine amino acid residue is found in multiple mammalian species, which suggests that this missense change does not adversely affect protein function. Algorithms developed to predict the effect of sequence changes on RNA splicing suggest that this variant may create or strengthen a splice site. In summary, the available evidence is currently insufficient to determine the role of this variant in disease. Therefore, it has been classified as a Variant of Uncertain Significance.

Illumina Laboratory Services, Illumina
Classification: Uncertain significance for Dalmatian hypouricemia. Last evaluated: 2018-01-13. Review status: criteria provided, single submitter. Criteria: ICSL Variant Classification Criteria 13 December 2019. Collection method: clinical testing. Allele origin: germline.